The following is an entry in ClinVar:

ClinVar aggregate classification (germline): Uncertain significance (1 of 4 stars; one submission).

Submission:

GeneDx
Classification: Uncertain significance. Last evaluated: 2026-04-01. Review status: criteria provided, single submitter. Criteria: GeneDx Variant Classification Process June 2021. Collection method: clinical testing. Allele origin: germline.
Comment: Frameshift variant predicted to result in abnormal protein length as the last 22 amino acid(s) are replaced with 134 different amino acid(s); Not observed at significant frequency in large population cohorts (gnomAD); Has not been previously published as pathogenic or benign to our knowledge

NM_004630.4(SF1):c.1850dup (p.Met618fs)

Gene: SF1 (splicing factor 1; minus strand). Cytogenetic location: 11q13.1.
Variant type: Duplication.
Coding change: c.1850dup on transcript NM_004630.4 (MANE Select); coding-DNA position 1850, one base duplicated (G; older notation c.1850dupG).
Protein change: p.Met618fs; shifts the reading frame from methionine 618.
Molecular consequence: frameshift variant. On other transcripts: 3 prime UTR variant (1), intron variant (14).
Genome position (GRCh38, 1-based): chr11:64,765,888, C duplicated on the plus strand (G on the coding strand, the reverse complement: SF1 is on the minus strand); the first of 3 consecutive C bases (chr11:64,765,888-64,765,890); duplicating any one gives the same sequence. VCF-style (leftmost placement, unchanged base first): chr11-64765887-G-GC. GRCh37 (hg19) VCF-style: chr11-64533359-G-GC.
Other names: c.1772dup, p.Met592fs (NM_001178031.3); c.*18dup (NM_001346363.2); c.2225dup, p.Met743fs (NM_001378957.1); c.1238-370dup (NM_001346409.2); c.1242-370dup (NM_001346410.2); c.1578-370dup (NM_001346364.2); c.1782+63dup (NM_001440583.1); c.1583-370dup (NM_201998.3); and 9 more; short protein forms M592fs, M618fs, M743fs.
Identifiers: ClinVar variation 5018136 (VCV005018136.1).
Genomic context (GRCh38, chr11:64,765,887, plus strand): 5'-TGGTGGAGGCGGTGGGGGAGCTGGAGGCATCCCGAAGGGCGGCATGCCCGCCACCCCCAT[G>GC]CCCATCATGGTGACAAAGTTAGAAGGGTCCATGGGAGGCGGAGGAGGAGGGGGCGGGGCA-3'